The following is an entry in ClinVar:

NM_001167623.2(CACNA1C):c.1143C>A (p.Pro381=)

Gene: CACNA1C (calcium voltage-gated channel subunit alpha1 C; plus strand). Cytogenetic location: 12p13.33.
Variant type: single nucleotide variant.
Coding change: c.1143C>A on transcript NM_001167623.2 (MANE Plus Clinical); coding-DNA position 1143, C replaced by A.
Protein change: p.Pro381=; no amino-acid change (proline 381 retained).
Molecular consequence: synonymous variant. On other transcripts: intron variant (19).
Genome position (GRCh38, 1-based): chr12:2,504,465, C>A. VCF-style: chr12-2504465-C-A. GRCh37 (hg19) VCF-style: chr12-2613631-C-A.
Other names: c.1143C>A, p.Pro381= (NM_001129840.2, NM_001167624.3, NM_001167625.2); c.1114-377C>A (NM_199460.4, NM_001129827.2, NM_001129832.2 and 15 more transcripts); c.1105-377C>A (NM_001129844.2).
Identifiers: ClinVar variation 4981954 (VCV004981954.1).

ClinVar aggregate classification (germline): Likely benign (1 of 4 stars; one submission).

Conditions:
CACNA1C-related disorder. Also called: CACNA1C-related condition; CACNA1C-related disorders. Identifiers: MedGen CN381092, MONDO:0700321.

Submission:

PreventionGenetics, part of Exact Sciences
Classification: Likely benign for CACNA1C-related condition. Last evaluated: 2026-02-24. Review status: criteria provided, single submitter. Criteria: ACMG Guidelines, 2015. Collection method: clinical testing. Allele origin: germline.
Comment: This variant is classified as likely benign based on ACMG/AMP sequence variant interpretation guidelines (Richards et al. 2015 PMID: 25741868, with internal and published modifications).